The following is an entry in ClinVar:

NM_001127222.2(CACNA1A):c.2852C>A (p.Ala951Glu)

Gene: CACNA1A (calcium voltage-gated channel subunit alpha1 A; minus strand). Cytogenetic location: 19p13.13.
Variant type: single nucleotide variant.
Coding change: c.2852C>A on transcript NM_001127222.2 (MANE Select); coding-DNA position 2852, C replaced by A.
Protein change: p.Ala951Glu; replaces alanine 951 with glutamic acid.
Molecular consequence: missense variant.
Genome position (GRCh38, 1-based): chr19:13,298,781, G>T on the plus strand (C>A on the coding strand, the complement: CACNA1A is on the minus strand). VCF-style: chr19-13298781-G-T. GRCh37 (hg19) VCF-style: chr19-13409595-G-T.
Other names: c.2864C>A, p.Ala955Glu (NM_000068.4, NM_023035.3); c.2855C>A, p.Ala952Glu (NM_001127221.2, NM_001174080.2); short protein forms A952E, A951E, A955E.
Identifiers: ClinVar variation 4790915 (VCV004790915.1).

ClinVar aggregate classification (germline): Uncertain significance (1 of 4 stars; one submission).

Conditions:
Episodic ataxia type 2 (EA2). Also called: ACETAZOLAMIDE-RESPONSIVE HEREDITARY PAROXYSMAL CEREBELLAR ATAXIA; ATAXIA, EPISODIC, WITH NYSTAGMUS; ATAXIA, FAMILIAL PAROXYSMAL; CEREBELLAR ATAXIA, PAROXYSMAL, ACETAZOLAMIDE-RESPONSIVE; CEREBELLOPATHY, HEREDITARY PAROXYSMAL; EPISODIC ATAXIA, NYSTAGMUS-ASSOCIATED. Identifiers: Orphanet 97, MedGen C1720416, MONDO:0007163, OMIM 108500.
Developmental and epileptic encephalopathy, 42 (DEE42A). Also called: Epileptic encephalopathy, early infantile, 42; DEVELOPMENTAL AND EPILEPTIC ENCEPHALOPATHY 42A; EPILEPTIC ENCEPHALOPATHY, EARLY INFANTILE, 42A. Identifiers: MedGen C4310716, MONDO:0014917, OMIM 617106.

Submission:

Labcorp Genetics (formerly Invitae), Labcorp
Classification: Uncertain significance for Developmental and epileptic encephalopathy, 42; Episodic ataxia type 2. Last evaluated: 2025-04-26. Review status: criteria provided, single submitter. Criteria: Invitae Variant Classification Sherloc (09022015). Collection method: clinical testing. Allele origin: germline.
Comment: This sequence change replaces alanine, which is neutral and non-polar, with glutamic acid, which is acidic and polar, at codon 952 of the CACNA1A protein (p.Ala952Glu). This variant is not present in population databases (gnomAD no frequency). This variant has not been reported in the literature in individuals affected with CACNA1A-related conditions. Invitae Evidence Modeling of protein sequence and biophysical properties (such as structural, functional, and spatial information, amino acid conservation, physicochemical variation, residue mobility, and thermodynamic stability) indicates that this missense variant is not expected to disrupt CACNA1A protein function with a negative predictive value of 95%. In summary, the available evidence is currently insufficient to determine the role of this variant in disease. Therefore, it has been classified as a Variant of Uncertain Significance.